The following is an entry in ClinVar:

ClinVar aggregate classification (germline): Likely pathogenic (0 of 4 stars; one submission).

Conditions:
REST-related disorder. Also called: REST-related condition.

Submission:

PreventionGenetics, part of Exact Sciences
Classification: Likely pathogenic for REST-related condition. Last evaluated: 2024-06-26. Review status: no assertion criteria provided. Collection method: clinical testing. Allele origin: germline.
Comment: The REST c.2284_2287delAAGA variant is predicted to result in premature protein termination (p.Lys762*). To our knowledge, this variant has not been reported in the literature or in a large population database, indicating this variant is rare. Nonsense variants in REST are expected to be pathogenic. This variant is interpreted as likely pathogenic.

NM_005612.5(REST):c.2284_2287del (p.Val761_Lys762insTer)

Gene: REST (RE1 silencing transcription factor; plus strand). Cytogenetic location: 4q12.
Variant type: Deletion.
Coding change: c.2284_2287del on transcript NM_005612.5 (MANE Select); coding-DNA positions 2284 to 2287, 4 bases deleted (AAGA; older notation c.2284_2287delAAGA).
Protein change: p.Val761_Lys762insTer.
Molecular consequence: nonsense. On other transcripts: frameshift variant (2).
Genome position (GRCh38, 1-based): chr4:56,931,142-56,931,145, AAGA deleted. VCF-style (leftmost placement, unchanged base first): chr4-56931141-TAAGA-T. GRCh37 (hg19) VCF-style: chr4-57797307-TAAGA-T.
Other names: c.2284_2287delAAGA, p.Lys762Terfs (NM_001193508.2, NM_001363453.3).
Identifiers: ClinVar variation 3344722 (VCV003344722.1).